The following is an entry in ClinVar:

ClinVar aggregate classification (germline): Uncertain significance (1 of 4 stars; one submission).

Submission:

GeneDx
Classification: Uncertain significance. Last evaluated: 2024-11-06. Review status: criteria provided, single submitter. Criteria: GeneDx Variant Classification Process June 2021. Collection method: clinical testing. Allele origin: germline. Affected: yes.
Comment: Not observed at significant frequency in large population cohorts (gnomAD); In silico analysis supports a deleterious effect on protein structure/function; Has not been previously published as pathogenic or benign to our knowledge

NM_033305.3(VPS13A):c.4115_4117delinsAAA (p.Gly1372_Ala1373delinsGluThr)

Gene: VPS13A (vacuolar protein sorting 13 homolog A; plus strand). Cytogenetic location: 9q21.2.
Variant type: Indel.
Coding change: c.4115_4117delinsAAA on transcript NM_033305.3 (MANE Select); coding-DNA positions 4115 to 4117, GAG replaced by AAA.
Protein change: p.Gly1372_Ala1373delinsGluThr.
Molecular consequence: missense variant.
Genome position (GRCh38, 1-based): chr9:77,313,992-77,313,994, GAG replaced by AAA. VCF-style: chr9-77313992-GAG-AAA. GRCh37 (hg19) VCF-style: chr9-79928908-GAG-AAA.
Other names: c.3998_4000delinsAAA, p.Gly1333_Ala1334delinsGluThr (NM_001018037.2); c.4115_4117delinsAAA, p.Gly1372_Ala1373delinsGluThr (NM_001018038.3, NM_015186.4).
Identifiers: ClinVar variation 3898948 (VCV003898948.1).